The following is an entry in ClinVar:

NM_002734.5(PRKAR1A):c.1030C>A (p.Pro344Thr)

Gene: PRKAR1A (protein kinase cAMP-dependent type I regulatory subunit alpha; plus strand). Cytogenetic location: 17q24.2.
Variant type: single nucleotide variant.
Coding change: c.1030C>A on transcript NM_002734.5 (MANE Select); coding-DNA position 1030, C replaced by A.
Protein change: p.Pro344Thr; replaces proline 344 with threonine.
Molecular consequence: missense variant. On other transcripts: intron variant (1).
Genome position (GRCh38, 1-based): chr17:68,530,333, C>A. VCF-style: chr17-68530333-C-A. GRCh37 (hg19) VCF-style: chr17-66526474-C-A.
Other names: c.1030C>A, p.Pro344Thr (NM_001276289.2, NM_001278433.2, NM_001369389.1 and 3 more transcripts); c.973+332C>A (NM_001276290.1); short protein forms P344T.
Identifiers: ClinVar variation 3668535 (VCV003668535.2).

ClinVar aggregate classification (germline): Uncertain significance (1 of 4 stars; one submission).

Conditions:
Carney complex, type 1 (CNC1). Also called: CARNEY COMPLEX, TYPE I; CARNEY MYXOMA-ENDOCRINE COMPLEX. Identifiers: Orphanet 1359, MedGen C2607929, MONDO:0008057, OMIM 160980.

Submission:

Labcorp Genetics (formerly Invitae), Labcorp
Classification: Uncertain significance for Carney complex, type 1. Last evaluated: 2024-09-01. Review status: criteria provided, single submitter. Criteria: Invitae Variant Classification Sherloc (09022015). Collection method: clinical testing. Allele origin: germline.
Comment: This sequence change replaces proline, which is neutral and non-polar, with threonine, which is neutral and polar, at codon 344 of the PRKAR1A protein (p.Pro344Thr). This variant is not present in population databases (gnomAD no frequency). This variant has not been reported in the literature in individuals affected with PRKAR1A-related conditions. Invitae Evidence Modeling of protein sequence and biophysical properties (such as structural, functional, and spatial information, amino acid conservation, physicochemical variation, residue mobility, and thermodynamic stability) indicates that this missense variant is not expected to disrupt PRKAR1A protein function with a negative predictive value of 80%. In summary, the available evidence is currently insufficient to determine the role of this variant in disease. Therefore, it has been classified as a Variant of Uncertain Significance.